The following is an entry in ClinVar:

ClinVar aggregate classification (germline): Uncertain significance (1 of 4 stars; one submission).

Submission:

Labcorp Genetics (formerly Invitae), Labcorp
Classification: Uncertain significance. Last evaluated: 2023-10-13. Review status: criteria provided, single submitter. Criteria: Invitae Variant Classification Sherloc (09022015). Collection method: clinical testing. Allele origin: germline.
Comment: This sequence change replaces proline, which is neutral and non-polar, with threonine, which is neutral and polar, at codon 1545 of the COL11A1 protein (p.Pro1545Thr). This variant is not present in population databases (gnomAD no frequency). This variant has not been reported in the literature in individuals affected with COL11A1-related conditions. Advanced modeling of protein sequence and biophysical properties (such as structural, functional, and spatial information, amino acid conservation, physicochemical variation, residue mobility, and thermodynamic stability) performed at Invitae indicates that this missense variant is not expected to disrupt COL11A1 protein function. In summary, the available evidence is currently insufficient to determine the role of this variant in disease. Therefore, it has been classified as a Variant of Uncertain Significance.

NM_001854.4(COL11A1):c.4633C>A (p.Pro1545Thr)

Gene: COL11A1 (collagen type XI alpha 1 chain; minus strand). Cytogenetic location: 1p21.1.
Variant type: single nucleotide variant.
Coding change: c.4633C>A on transcript NM_001854.4 (MANE Select); coding-DNA position 4633, C replaced by A.
Protein change: p.Pro1545Thr; replaces proline 1545 with threonine.
Molecular consequence: missense variant. On other transcripts: non-coding transcript variant (1).
Genome position (GRCh38, 1-based): chr1:102,887,032, G>T on the plus strand (C>A on the coding strand, the complement: COL11A1 is on the minus strand). VCF-style: chr1-102887032-G-T. GRCh37 (hg19) VCF-style: chr1-103352588-G-T.
Other names: c.4285C>A, p.Pro1429Thr (NM_001168249.1, NM_080630.4); c.4516C>A, p.Pro1506Thr (NM_001190709.2); c.4669C>A, p.Pro1557Thr (NM_080629.3); short protein forms P1557T, P1506T, P1429T, P1545T.
Identifiers: ClinVar variation 2800811 (VCV002800811.3), dbSNP rs1490364715, ClinGen allele CA341212198.